The following is an entry in ClinVar:

ClinVar aggregate classification (germline): Uncertain significance (1 of 4 stars; one submission).

Conditions:
Early-infantile DEE. Also called: Ohtahara syndrome; Early infantile epileptic encephalopathy with suppression bursts; Early infantile epileptic encephalopathy. Identifiers: Orphanet 1934, MedGen C0393706, MONDO:0800491.

Submission:

Labcorp Genetics (formerly Invitae), Labcorp
Classification: Uncertain significance for Early-infantile DEE. Last evaluated: 2021-10-13. Review status: criteria provided, single submitter. Criteria: Invitae Variant Classification Sherloc (09022015). Collection method: clinical testing. Allele origin: germline.
Comment: This variant is not present in population databases (ExAC no frequency). In summary, the available evidence is currently insufficient to determine the role of this variant in disease. Therefore, it has been classified as a Variant of Uncertain Significance. Advanced modeling of protein sequence and biophysical properties (such as structural, functional, and spatial information, amino acid conservation, physicochemical variation, residue mobility, and thermodynamic stability) performed at Invitae indicates that this missense variant is expected to disrupt KCNQ2 protein function. This variant has not been reported in the literature in individuals affected with KCNQ2-related conditions. This sequence change replaces leucine with proline at codon 623 of the KCNQ2 protein (p.Leu623Pro). The leucine residue is moderately conserved and there is a moderate physicochemical difference between leucine and proline.

NM_172107.4(KCNQ2):c.1868T>C (p.Leu623Pro)

Gene: KCNQ2 (potassium voltage-gated channel subfamily Q member 2; minus strand). Cytogenetic location: 20q13.33.
Variant type: single nucleotide variant.
Coding change: c.1868T>C on transcript NM_172107.4 (MANE Select); coding-DNA position 1868, T replaced by C.
Protein change: p.Leu623Pro; replaces leucine 623 with proline.
Molecular consequence: missense variant.
Genome position (GRCh38, 1-based): chr20:63,408,432, A>G on the plus strand (T>C on the coding strand, the complement: KCNQ2 is on the minus strand). VCF-style: chr20-63408432-A-G. GRCh37 (hg19) VCF-style: chr20-62039785-A-G.
Other names: c.1922T>C, p.Leu641Pro (NM_001382235.1); c.1784T>C, p.Leu595Pro (NM_004518.6); c.1814T>C, p.Leu605Pro (NM_172106.3); c.1775T>C, p.Leu592Pro (NM_172108.5); short protein forms L595P, L623P, L592P, L605P, L641P.
Identifiers: ClinVar variation 1420644 (VCV001420644.7), dbSNP rs2145496730, ClinGen allele CA409640236.